The following is an entry in ClinVar:

NM_004453.4(ETFDH):c.271G>T (p.Ala91Ser)

Gene: ETFDH (electron transfer flavoprotein dehydrogenase; plus strand). Cytogenetic location: 4q32.1.
Variant type: single nucleotide variant.
Coding change: c.271G>T on transcript NM_004453.4 (MANE Select); coding-DNA position 271, G replaced by T.
Protein change: p.Ala91Ser; replaces alanine 91 with serine.
Molecular consequence: missense variant.
Genome position (GRCh38, 1-based): chr4:158,682,290, G>T. VCF-style: chr4-158682290-G-T. GRCh37 (hg19) VCF-style: chr4-159603442-G-T.
Other names: c.130G>T, p.Ala44Ser (NM_001281737.2); c.88G>T, p.Ala30Ser (NM_001281738.1); short protein forms A30S, A44S, A91S.
Identifiers: ClinVar variation 1363772 (VCV001363772.5), dbSNP rs1208091864, ClinGen allele CA358574096.

ClinVar aggregate classification (germline): Uncertain significance (1 of 4 stars; one submission).

Conditions:
Multiple acyl-CoA dehydrogenase deficiency (MADD). Also called: ETHYLMALONIC-ADIPICACIDURIA; GA II; Glutaric Acidemia type 2; Glutaric aciduria, type 2; Glutaric acidemia type II; GA 2. Identifiers: Orphanet 26791, MedGen C0268596, MONDO:0009282, OMIM 231680.

gnomAD v4.1: 6 of 1,614,200 alleles (0.00037%); highest among the groups gnomAD compares: African/African-American, 0.0027%; no homozygotes.

Submission:

Labcorp Genetics (formerly Invitae), Labcorp
Classification: Uncertain significance for Multiple acyl-CoA dehydrogenase deficiency. Last evaluated: 2024-11-11. Review status: criteria provided, single submitter. Criteria: Invitae Variant Classification Sherloc (09022015). Collection method: clinical testing. Allele origin: germline.
Comment: This sequence change replaces alanine, which is neutral and non-polar, with serine, which is neutral and polar, at codon 91 of the ETFDH protein (p.Ala91Ser). This variant is present in population databases (no rsID available, gnomAD 0.003%). This variant has not been reported in the literature in individuals affected with ETFDH-related conditions. ClinVar contains an entry for this variant (Variation ID: 1363772). Invitae Evidence Modeling of protein sequence and biophysical properties (such as structural, functional, and spatial information, amino acid conservation, physicochemical variation, residue mobility, and thermodynamic stability) indicates that this missense variant is not expected to disrupt ETFDH protein function with a negative predictive value of 80%. In summary, the available evidence is currently insufficient to determine the role of this variant in disease. Therefore, it has been classified as a Variant of Uncertain Significance.